The following is an entry in ClinVar:

ClinVar aggregate classification (germline): Uncertain significance. Review status: criteria provided, multiple submitters, no conflicts (2 of 4 stars). 4 submissions from 4 submitters: Uncertain significance (4). Last evaluated 2025-08-12.

Conditions:
Inborn genetic diseases. Identifiers: MedGen C0950123, MeSH D030342.
Brody myopathy. Also called: BRODY DISEASE. Identifiers: Orphanet 53347, MedGen C1832918, MONDO:0010977, OMIM 601003.

Allele frequency attached by ClinVar (database versions not stated): ExAC 0.00001; gnomAD 0.00002 and 0.00003; gnomAD exomes 0.00002; TOPMed 0.00003; 1000 Genomes Project 30x 0.00031.
gnomAD v4.1: 143 of 1,611,138 alleles (0.0089%); highest among the groups gnomAD compares: Non-Finnish European, 0.012%; no homozygotes.

Submissions (4):

Ambry Genetics
Classification: Uncertain significance for Inborn genetic diseases. Last evaluated: 2025-08-12. Review status: criteria provided, single submitter. Criteria: Ambry Variant Classification Scheme 2023. Collection method: clinical testing. Allele origin: germline.

Revvity Omics, Revvity
Classification: Uncertain significance for Brody myopathy. Last evaluated: 2024-12-11. Review status: criteria provided, single submitter. Criteria: ACMG Guidelines, 2015. Collection method: clinical testing. Allele origin: germline.

Labcorp Genetics (formerly Invitae), Labcorp
Classification: Uncertain significance for Brody myopathy. Last evaluated: 2022-06-04. Review status: criteria provided, single submitter. Criteria: Invitae Variant Classification Sherloc (09022015). Collection method: clinical testing. Allele origin: germline.
Comment: This sequence change replaces serine, which is neutral and polar, with leucine, which is neutral and non-polar, at codon 473 of the ATP2A1 protein (p.Ser473Leu). This variant is present in population databases (rs41292392, gnomAD 0.004%). This variant has not been reported in the literature in individuals affected with ATP2A1-related conditions. ClinVar contains an entry for this variant (Variation ID: 426432). Algorithms developed to predict the effect of missense changes on protein structure and function output the following: SIFT: "Tolerated"; PolyPhen-2: "Benign"; Align-GVGD: "Class C0". The leucine amino acid residue is found in multiple mammalian species, which suggests that this missense change does not adversely affect protein function. Algorithms developed to predict the effect of sequence changes on RNA splicing suggest that this variant may disrupt the consensus splice site. In summary, the available evidence is currently insufficient to determine the role of this variant in disease. Therefore, it has been classified as a Variant of Uncertain Significance.

GeneDx
Classification: Uncertain significance. Last evaluated: 2018-04-25. Review status: criteria provided, single submitter. Criteria: GeneDx Variant Classification (06012015). Collection method: clinical testing. Allele origin: germline. Affected: yes.
Comment: The S473L variant has not been published as a pathogenic variant, nor has it been reported as a benign variant to our knowledge. The S473L variant is not observed at a significant frequency in large population cohorts (Lek et al., 2016; 1000 Genomes Consortium et al., 2015; Exome Variant Server). This variant is a non-conservative amino acid substitution, which is likely to impact secondary protein structure as these residues differ in polarity, charge, size and/or other properties. This substitution occurs at a position that is conserved in mammals, and in silico analysis predicts this variant is probably damaging to the protein structure/function. However, missense variants in nearby residues have not been reported in the Human Gene Mutation Database in association with Brody myopathy (Stenson et al., 2014).

NM_004320.6(ATP2A1):c.1418C>T (p.Ser473Leu)

Gene: ATP2A1 (ATPase sarcoplasmic/endoplasmic reticulum Ca2+ transporting 1; plus strand). Cytogenetic location: 16p11.2.
Variant type: single nucleotide variant.
Coding change: c.1418C>T on transcript NM_004320.6 (MANE Select); coding-DNA position 1418, C replaced by T.
Protein change: p.Ser473Leu; replaces serine 473 with leucine.
Molecular consequence: missense variant.
Genome position (GRCh38, 1-based): chr16:28,894,952, C>T. VCF-style: chr16-28894952-C-T. GRCh37 (hg19) VCF-style: chr16-28906273-C-T.
Other names: c.1043C>T, p.Ser348Leu (NM_001286075.2); c.1418C>T, p.Ser473Leu (NM_173201.5); c.1418C>T (NM_173201.4); short protein forms S473L, S348L.
Identifiers: ClinVar variation 426432 (VCV000426432.12), dbSNP rs41292392, ClinGen allele CA7986954.